The following is an entry in ClinVar:

ClinVar aggregate classification (germline): Uncertain significance (1 of 4 stars; one submission).

Conditions:
Conotruncal heart malformations (CTHM). Also called: Conotruncal heart malformations, variable. Identifiers: Orphanet 2445, Orphanet 3384, Orphanet 3426, MedGen C1857586, MONDO:0016581, OMIM 217095.

gnomAD v4.1: 3 of 1,555,850 alleles (0.00019%); highest among the groups gnomAD compares: Middle Eastern, 0.017%; no homozygotes.

Submission:

Labcorp Genetics (formerly Invitae), Labcorp
Classification: Uncertain significance for Conotruncal heart malformations. Last evaluated: 2021-06-25. Review status: criteria provided, single submitter. Criteria: Invitae Variant Classification Sherloc (09022015). Collection method: clinical testing. Allele origin: germline.
Comment: This sequence change replaces arginine with proline at codon 155 of the NKX2-6 protein (p.Arg155Pro). The arginine residue is highly conserved and there is a moderate physicochemical difference between arginine and proline. This variant is not present in population databases (ExAC no frequency). This variant has not been reported in the literature in individuals affected with NKX2-6-related conditions. Algorithms developed to predict the effect of missense changes on protein structure and function (SIFT, PolyPhen-2, Align-GVGD) all suggest that this variant is likely to be disruptive. In summary, the available evidence is currently insufficient to determine the role of this variant in disease. Therefore, it has been classified as a Variant of Uncertain Significance.

NM_001136271.3(NKX2-6):c.464G>C (p.Arg155Pro)

Gene: NKX2-6 (NK2 homeobox 6; minus strand). Cytogenetic location: 8p21.2.
Variant type: single nucleotide variant.
Coding change: c.464G>C on transcript NM_001136271.3 (MANE Select); coding-DNA position 464, G replaced by C.
Protein change: p.Arg155Pro; replaces arginine 155 with proline.
Molecular consequence: missense variant.
Genome position (GRCh38, 1-based): chr8:23,702,893, C>G on the plus strand (G>C on the coding strand, the complement: NKX2-6 is on the minus strand). VCF-style: chr8-23702893-C-G. GRCh37 (hg19) VCF-style: chr8-23560406-C-G.
Other names: short protein forms R155P.
Identifiers: ClinVar variation 1393632 (VCV001393632.8), dbSNP rs534202593, ClinGen allele CA370602941.